The following is an entry in ClinVar:

NM_001271803.2(REEP2):c.119T>G (p.Met40Arg)

Gene: REEP2 (receptor accessory protein 2; plus strand). Cytogenetic location: 5q31.2.
Variant type: single nucleotide variant.
Coding change: c.119T>G on transcript NM_001271803.2 (MANE Select); coding-DNA position 119, T replaced by G.
Protein change: p.Met40Arg; replaces methionine 40 with arginine.
Molecular consequence: missense variant. On other transcripts: non-coding transcript variant (2).
Genome position (GRCh38, 1-based): chr5:138,441,398, T>G. VCF-style: chr5-138441398-T-G. GRCh37 (hg19) VCF-style: chr5-137777087-T-G.
Other names: c.119T>G, p.Met40Arg (NM_016606.4); short protein forms M40R.
Identifiers: ClinVar variation 864419 (VCV000864419.12), dbSNP rs1763822813, ClinGen allele CA361101336.
Genomic context (GRCh38, chr5:138,441,398, plus strand): 5'-GGCCCCTCAGCCCCGTGCCCCAGCCAGCGCTTCCCTCTGTCCCTCAGGTGAAATGGATGA[T>G]GTACTGGATCGTCTTTGCCTTCTTCACCACGGCCGAGACGCTCACGGATATAGTGCTCTC-3'
Protein context (NP_001258732.1, residues 30-50): KNVKEYVKWM[Met40Arg]YWIVFAFFTT

ClinVar aggregate classification (germline): Pathogenic. Review status: criteria provided, multiple submitters, no conflicts (2 of 4 stars). 3 submissions from 3 submitters: Pathogenic (2). 1 of the submissions does not count toward it. Last evaluated 2022-08-23.

Conditions:
Hereditary spastic paraplegia 72 (SPG72A). Also called: Spastic paraplegia 72, autosomal recessive. Identifiers: Orphanet 401849, MedGen C5882669, MONDO:0014282, OMIM 615625.

Submissions (3):

Labcorp Genetics (formerly Invitae), Labcorp
Classification: Pathogenic for Hereditary spastic paraplegia 72. Last evaluated: 2022-08-23. Review status: criteria provided, single submitter. Criteria: Invitae Variant Classification Sherloc (09022015). Collection method: clinical testing. Allele origin: germline.
Comment: For these reasons, this variant has been classified as Pathogenic. Algorithms developed to predict the effect of missense changes on protein structure and function are either unavailable or do not agree on the potential impact of this missense change (SIFT: "Deleterious"; PolyPhen-2: "Possibly Damaging"; Align-GVGD: "Class C0"). ClinVar contains an entry for this variant (Variation ID: 864419). This missense change has been observed in individual(s) with hereditary spastic paraplegia (PMID: 28491902, 33526816; Invitae). In at least one individual the variant was observed to be de novo. This variant is not present in population databases (gnomAD no frequency). This sequence change replaces methionine, which is neutral and non-polar, with arginine, which is basic and polar, at codon 40 of the REEP2 protein (p.Met40Arg).

Paris Brain Institute, Inserm - ICM
Classification: Pathogenic for Hereditary spastic paraplegia 72. Review status: criteria provided, single submitter. Criteria: ACMG Guidelines, 2015. Collection method: clinical testing. Allele origin: unknown. Affected: yes. Observed: 1 variant allele.

OMIM
Classification: Pathogenic for SPASTIC PARAPLEGIA 72A, AUTOSOMAL DOMINANT. Last evaluated: 2023-11-29. Review status: no assertion criteria provided. Collection method: literature only. Allele origin: germline. Not counted in ClinVar's aggregate classification.

Literature cited by the submitters: PubMed 28491902 (cited by Labcorp Genetics (formerly Invitae), Labcorp and OMIM); PubMed 33526816 (cited by Labcorp Genetics (formerly Invitae), Labcorp and OMIM).